The following is an entry in ClinVar:

ClinVar aggregate classification (germline): Pathogenic (1 of 4 stars; one submission).

Conditions:
Hereditary cancer-predisposing syndrome. Also called: Neoplastic Syndromes, Hereditary; Tumor predisposition; Hereditary Cancer Syndrome; Hereditary neoplastic syndrome. Identifiers: Orphanet 140162, MedGen C0027672, MeSH D009386, MONDO:0015356.

Submission:

Ambry Genetics
Classification: Pathogenic for Hereditary cancer-predisposing syndrome. Last evaluated: 2017-09-08. Review status: criteria provided, single submitter. Criteria: Ambry Variant Classification Scheme 2023. Collection method: clinical testing. Allele origin: germline.
Comment: The c.693_694insCTCC pathogenic mutation, located in coding exon 5 of the CHEK2 gene, results from an insertion of 4 nucleotides at position 693, causing a translational frameshift with a predicted alternate stop codon (p.G232Lfs*14). This alteration is expected to result in loss of function by premature protein truncation or nonsense-mediated mRNA decay. As such, this alteration is interpreted as a disease-causing mutation.

NM_007194.4(CHEK2):c.693_694insCTCC (p.Gly232fs)

Gene: CHEK2 (checkpoint kinase 2; minus strand). Cytogenetic location: 22q12.1.
Variant type: Insertion.
Coding change: c.693_694insCTCC on transcript NM_007194.4 (MANE Select); coding-DNA positions 693 to 694, CTCC inserted.
Protein change: p.Gly232fs; shifts the reading frame from glycine 232.
Molecular consequence: frameshift variant.
Genome position: GRCh38 VCF-style: chr22-28712007-C-CGGAG. GRCh37 (hg19) VCF-style: chr22-29107995-C-CGGAG.
Other names: c.822_823insCTCC, p.Gly275Leufs (NM_001005735.3); c.30_31insCTCC, p.Gly11Leufs (NM_001257387.3); c.492_493insCTCC, p.Gly165Leufs (NM_001349956.3); c.693_694insCTCC, p.Gly232Leufs (NM_145862.3); short protein forms G11fs, G165fs, G275fs, G232fs.
Identifiers: ClinVar variation 483401 (VCV000483401.5), dbSNP rs1555921327, ClinGen allele CA658656813.